The following is an entry in ClinVar:

ClinVar aggregate classification (germline): Uncertain significance. Review status: criteria provided, multiple submitters, no conflicts (2 of 4 stars). 2 submissions from 2 submitters: Uncertain significance (2). Last evaluated 2023-03-29.

Allele frequency attached by ClinVar (database versions not stated): gnomAD exomes below 0.00001; gnomAD 0.00001.

Submissions (2):

Ambry Genetics
Classification: Uncertain significance. Last evaluated: 2023-03-29. Review status: criteria provided, single submitter. Criteria: Ambry Variant Classification Scheme 2023. Collection method: clinical testing. Allele origin: germline.

Labcorp Genetics (formerly Invitae), Labcorp
Classification: Uncertain significance. Last evaluated: 2023-01-13. Review status: criteria provided, single submitter. Criteria: Invitae Variant Classification Sherloc (09022015). Collection method: clinical testing. Allele origin: germline.
Comment: In summary, the available evidence is currently insufficient to determine the role of this variant in disease. Therefore, it has been classified as a Variant of Uncertain Significance. Advanced modeling of protein sequence and biophysical properties (such as structural, functional, and spatial information, amino acid conservation, physicochemical variation, residue mobility, and thermodynamic stability) performed at Invitae indicates that this missense variant is expected to disrupt CD46 protein function. This variant has not been reported in the literature in individuals affected with CD46-related conditions. This variant is present in population databases (no rsID available, gnomAD 0.004%). This sequence change replaces glycine, which is neutral and non-polar, with arginine, which is basic and polar, at codon 259 of the CD46 protein (p.Gly259Arg).

NM_172351.3(CD46):c.775G>C (p.Gly259Arg)

Gene: CD46 (CD46 molecule; plus strand). Cytogenetic location: 1q32.2.
Variant type: single nucleotide variant.
Coding change: c.775G>C on transcript NM_172351.3 (MANE Select); coding-DNA position 775, G replaced by C.
Protein change: p.Gly259Arg; replaces glycine 259 with arginine.
Molecular consequence: missense variant.
Genome position (GRCh38, 1-based): chr1:207,767,114, G>C. VCF-style: chr1-207767114-G-C. GRCh37 (hg19) VCF-style: chr1-207940459-G-C.
Other names: c.775G>C, p.Gly259Arg (NM_002389.4, NM_153826.4, NM_172350.3 and 8 more transcripts); short protein forms G259R.
Identifiers: ClinVar variation 2514776 (VCV002514776.5), dbSNP rs1429497863, ClinGen allele CA344550987.